The following is an entry in ClinVar:

NM_001318852.2(MAPK8IP3):c.3092G>A (p.Gly1031Asp)

Gene: MAPK8IP3 (mitogen-activated protein kinase 8 interacting protein 3; plus strand). Cytogenetic location: 16p13.3.
Variant type: single nucleotide variant.
Coding change: c.3092G>A on transcript NM_001318852.2 (MANE Select); coding-DNA position 3092, G replaced by A.
Protein change: p.Gly1031Asp; replaces glycine 1031 with aspartic acid.
Molecular consequence: missense variant.
Genome position (GRCh38, 1-based): chr16:1,767,152, G>A. VCF-style: chr16-1767152-G-A. GRCh37 (hg19) VCF-style: chr16-1817153-G-A.
Other names: c.3071G>A, p.Gly1024Asp (NM_001040439.2); c.3089G>A, p.Gly1030Asp (NM_015133.5); short protein forms G1024D, G1030D, G1031D.
Identifiers: ClinVar variation 3902169 (VCV003902169.1).

ClinVar aggregate classification (germline): Uncertain significance (1 of 4 stars; one submission).

Submission:

Women's Health and Genetics/Laboratory Corporation of America, LabCorp
Classification: Uncertain significance. Last evaluated: 2025-05-30. Review status: criteria provided, single submitter. Criteria: LabCorp Variant Classification Summary - May 2015. Collection method: clinical testing. Allele origin: germline.
Comment: Variant summary: MAPK8IP3 c.3089G>A (p.Gly1030Asp) results in a non-conservative amino acid change in the encoded protein sequence. Algorithms developed to predict the effect of missense changes on protein structure and function are either unavailable or do not agree on the potential impact of this missense change. The variant was absent in 248598 control chromosomes. The available data on variant occurrences in the general population are insufficient to allow any conclusion about variant significance. To our knowledge, no occurrence of c.3089G>A in individuals affected with Neurodevelopmental Disorder With Or Without Variable Brain Abnormalities; NEDBA and no experimental evidence demonstrating its impact on protein function have been reported. No submitters have cited clinical-significance assessments for this variant to ClinVar. Based on the evidence outlined above, the variant was classified as uncertain significance.